The following is an entry in ClinVar:

NM_001709.5(BDNF):c.465T>C (p.Thr155=)

Genes: BDNF (brain derived neurotrophic factor; minus strand), BDNF-AS (BDNF antisense RNA; plus strand). Cytogenetic location: 11p14.1.
Variant type: single nucleotide variant.
Coding change: c.465T>C on transcript NM_001709.5 (MANE Select); coding-DNA position 465, T replaced by C.
Protein change: p.Thr155=; no amino-acid change (threonine 155 retained).
Molecular consequence: synonymous variant.
Genome position (GRCh38, 1-based): chr11:27,658,100, A>G on the plus strand (T>C on the coding strand, the complement: BDNF is on the minus strand). VCF-style: chr11-27658100-A-G. GRCh37 (hg19) VCF-style: chr11-27679647-A-G.
Other names: c.465T>C, p.Thr155= (NM_001143805.1, NM_001143806.1, NM_001143807.2 and 9 more transcripts); c.552T>C, p.Thr184= (NM_001143809.2); c.711T>C, p.Thr237= (NM_001143810.2); c.489T>C, p.Thr163= (NM_170731.5); c.510T>C, p.Thr170= (NM_170734.4).
Identifiers: ClinVar variation 3030169 (VCV003030169.2), dbSNP rs747058681, ClinGen allele CA473781481.

ClinVar aggregate classification (germline): Likely benign (0 of 4 stars; one submission).

Conditions:
BDNF-related disorder. Also called: BDNF-related condition.

Allele frequency attached by ClinVar (database versions not stated): TOPMed 0.00006; gnomAD 0.00010.
gnomAD v4.1: 25 of 1,614,018 alleles (0.0015%); highest among the groups gnomAD compares: Admixed American, 0.042%; no homozygotes.

Submission:

PreventionGenetics, part of Exact Sciences
Classification: Likely benign for BDNF-related condition. Last evaluated: 2021-04-27. Review status: no assertion criteria provided. Collection method: clinical testing. Allele origin: germline.
Comment: This variant is classified as likely benign based on ACMG/AMP sequence variant interpretation guidelines (Richards et al. 2015 PMID: 25741868, with internal and published modifications).